The following is an entry in ClinVar:

NM_000264.5(PTCH1):c.665_666del (p.Tyr222fs)

Gene: PTCH1 (patched 1; minus strand). Cytogenetic location: 9q22.32.
Variant type: Microsatellite.
Coding change: c.665_666del on transcript NM_000264.5 (MANE Select); coding-DNA positions 665 to 666, 2 bases deleted (AT; older notation c.665_666delAT).
Protein change: p.Tyr222fs; shifts the reading frame from tyrosine 222.
Molecular consequence: frameshift variant. On other transcripts: non-coding transcript variant (1).
Genome position (GRCh38, 1-based): chr9:95,482,029-95,482,030, AT deleted on the plus strand (AT on the coding strand, the reverse complement: PTCH1 is on the minus strand); deleting any 2 consecutive bases within chr9:95,482,029-95,482,032 gives the same sequence; the c. name uses the placement nearest the transcript's 3' end. VCF-style (leftmost placement, unchanged base first): chr9-95482028-GAT-G. GRCh37 (hg19) VCF-style: chr9-98244310-GAT-G.
Other names: c.467_468del, p.Tyr156fs (NM_001083602.3, NM_001354919.2); c.662_663del, p.Tyr221fs (NM_001083603.3); c.212_213del, p.Tyr71fs (NM_001083604.3, NM_001083605.3, NM_001083606.3 and 1 more transcripts); c.665_666del, p.Tyr222fs (NM_001354918.2); short protein forms Y221fs, Y71fs, Y222fs, Y156fs.
Identifiers: ClinVar variation 428847 (VCV000428847.5), dbSNP rs1131690993, ClinGen allele CA645369454.
Genomic context (GRCh38, chr9:95,482,028, plus strand): 5'-ACTGTAATTTCGCCCCTTCCCAGAAGCAGTCCAAAGGTGTAATAATCAAACAAGGGTAAA[GAT>G]ATTCTATTATCTGTCAAAGTTAAAAAGAAGAGGCCATGCGTTAGGTTAAGGCACACTACT-3'

ClinVar aggregate classification (germline): Pathogenic (1 of 4 stars; one submission).

Conditions:
Hereditary cancer-predisposing syndrome. Also called: Hereditary Cancer Syndrome; Neoplastic Syndromes, Hereditary; Hereditary neoplastic syndrome; Tumor predisposition. Identifiers: Orphanet 140162, MedGen C0027672, MeSH D009386, MONDO:0015356.

Submission:

Ambry Genetics
Classification: Pathogenic for Hereditary cancer-predisposing syndrome. Last evaluated: 2016-03-29. Review status: criteria provided, single submitter. Criteria: Ambry Variant Classification Scheme 2023. Collection method: clinical testing. Allele origin: germline.
Comment: The c.665_666delAT pathogenic mutation, located in coding exon 5 of the PTCH1 gene, results from a deletion of two nucleotides between nucleotide positions 665 and 666, causing a translational frameshift with a predicted alternate stop codon. In addition to the clinical data presented in the literature, since frameshifts are typically deleterious in nature, this alteration is interpreted as a disease-causing mutation (ACMG Recommendations for Standards for Interpretation and Reporting of Sequence Variations. Revision 2007. Genet Med. 2008;10:294).